The following is an entry in ClinVar:

ClinVar aggregate classification (germline): Pathogenic. Review status: criteria provided, single submitter (1 of 4 stars). 2 submissions from 2 submitters: Pathogenic (1). 1 of the submissions does not count toward it. Last evaluated 2024-10-29.

Conditions:
Hereditary spastic paraplegia 3A (SPG3A). Also called: SPASTIC PARAPLEGIA 3, AUTOSOMAL DOMINANT; FAMILIAL SPASTIC PARAPLEGIA, AUTOSOMAL DOMINANT, 1; SPG3; STRUMPELL DISEASE; Spastic Paraplegia 3A; Spastic paraplegia 3A, autosomal dominant. Identifiers: Orphanet 100984, MedGen C2931355, MONDO:0008437, OMIM 182600.

Allele frequency attached by ClinVar (database versions not stated): gnomAD exomes below 0.00001.
gnomAD v4.1: 4 of 1,613,550 alleles (0.00025%); highest among the groups gnomAD compares: South Asian, 0.0011%; no homozygotes.

Submissions (2):

Labcorp Genetics (formerly Invitae), Labcorp
Classification: Pathogenic for Hereditary spastic paraplegia 3A. Last evaluated: 2024-10-29. Review status: criteria provided, single submitter. Criteria: Invitae Variant Classification Sherloc (09022015). Collection method: clinical testing. Allele origin: germline.
Comment: This sequence change replaces arginine, which is basic and polar, with glutamine, which is neutral and polar, at codon 118 of the ATL1 protein (p.Arg118Gln). The frequency data for this variant in the population databases is considered unreliable, as metrics indicate poor data quality at this position in the gnomAD database. This missense change has been observed in individual(s) with autosomal recessive hereditary spastic paraplegia (PMID: 24473461). It has also been observed to segregate with disease in related individuals. ClinVar contains an entry for this variant (Variation ID: 157549). Invitae Evidence Modeling of protein sequence and biophysical properties (such as structural, functional, and spatial information, amino acid conservation, physicochemical variation, residue mobility, and thermodynamic stability) indicates that this missense variant is expected to disrupt ATL1 protein function with a positive predictive value of 95%. For these reasons, this variant has been classified as Pathogenic.

OMIM
Classification: Uncertain significance for VARIANT OF UNKNOWN SIGNIFICANCE. Last evaluated: 2014-10-01. Review status: no assertion criteria provided. Collection method: literature only. Allele origin: germline. Not counted in ClinVar's aggregate classification.

Literature cited by the submitters: PubMed 24473461 (cited by Labcorp Genetics (formerly Invitae), Labcorp and OMIM).

NM_015915.5(ATL1):c.353G>A (p.Arg118Gln)

Gene: ATL1 (atlastin GTPase 1; plus strand). Cytogenetic location: 14q22.1.
Variant type: single nucleotide variant.
Coding change: c.353G>A on transcript NM_015915.5 (MANE Select); coding-DNA position 353, G replaced by A.
Protein change: p.Arg118Gln; replaces arginine 118 with glutamine.
Molecular consequence: missense variant.
Genome position (GRCh38, 1-based): chr14:50,591,011, G>A. VCF-style: chr14-50591011-G-A. GRCh37 (hg19) VCF-style: chr14-51057729-G-A.
Other names: c.353G>A, p.Arg118Gln (NM_001127713.1, NM_181598.4); short protein forms R118Q.
Identifiers: ClinVar variation 157549 (VCV000157549.9), dbSNP rs606231265, ClinGen allele CA233267.